The following is an entry in ClinVar:

ClinVar aggregate classification (germline): Uncertain significance (1 of 4 stars; one submission).

Conditions:
Hypertrophic cardiomyopathy. Also called: HYPERTROPHIC MYOCARDIOPATHY. Identifiers: Orphanet 217569, MedGen C0007194, MeSH D002312, MONDO:0005045, HP:0001639.

Submission:

All of Us Research Program, National Institutes of Health
Classification: Uncertain significance for Hypertrophic cardiomyopathy. Last evaluated: 2023-06-28. Review status: criteria provided, single submitter. Criteria: ACMG Guidelines, 2015. Collection method: clinical testing. Allele origin: germline. Inheritance: Autosomal dominant inheritance. Observed: 1 variant allele, 1 heterozygote.
Comment: This study involves interpretation of variants in research participants for the purpose of population health screening. Participant phenotype was not available at the time of variant classification. Additional details can be found in publication PMID: 35346344, PMCID: PMC8962531

NM_000256.3(MYBPC3):c.2999A>G (p.Lys1000Arg)

Gene: MYBPC3 (myosin binding protein C3; minus strand). Cytogenetic location: 11p11.2.
Variant type: single nucleotide variant.
Coding change: c.2999A>G on transcript NM_000256.3 (MANE Select); coding-DNA position 2999, A replaced by G.
Protein change: p.Lys1000Arg; replaces lysine 1000 with arginine.
Molecular consequence: missense variant.
Genome position (GRCh38, 1-based): chr11:47,333,748, T>C on the plus strand (A>G on the coding strand, the complement: MYBPC3 is on the minus strand). VCF-style: chr11-47333748-T-C. GRCh37 (hg19) VCF-style: chr11-47355299-T-C.
Other names: short protein forms K1000R.
Identifiers: ClinVar variation 3072115 (VCV003072115.1), dbSNP rs2495742203, ClinGen allele CA380315700.